The following is an entry in ClinVar:

NM_000460.4(THPO):c.-47G>A

Gene: THPO (thrombopoietin; minus strand). Cytogenetic location: 3q27.1.
Variant type: single nucleotide variant.
Coding change: c.-47G>A on transcript NM_000460.4 (MANE Select); 47 bases upstream of the start codon, G replaced by A.
Molecular consequence: 5 prime UTR variant. On other transcripts: missense variant (1).
Genome position (GRCh38, 1-based): chr3:184,376,306, C>T on the plus strand (G>A on the coding strand, the complement: THPO is on the minus strand). VCF-style: chr3-184376306-C-T. GRCh37 (hg19) VCF-style: chr3-184094094-C-T.
Other names: c.-47G>A (NM_001177597.2, NM_001177598.2, NM_001289997.1 and 5 more transcripts); c.374G>A, p.Gly125Glu (NM_001290003.1); short protein forms G125E.
Identifiers: ClinVar variation 3614165 (VCV003614165.2).

ClinVar aggregate classification (germline): Uncertain significance (1 of 4 stars; one submission).

gnomAD v4.1: 1 of 1,614,212 alleles (0.000062%); highest among the groups gnomAD compares: Admixed American, 0.0017%; no homozygotes.

Submission:

Labcorp Genetics (formerly Invitae), Labcorp
Classification: Uncertain significance. Last evaluated: 2024-12-02. Review status: criteria provided, single submitter. Criteria: Invitae Variant Classification Sherloc (09022015). Collection method: clinical testing. Allele origin: germline.
Comment: This variant occurs in a non-coding region of the THPO gene. It does not change the encoded amino acid sequence of the THPO protein. This variant is present in population databases (no rsID available, gnomAD 0.003%). This variant has not been reported in the literature in individuals affected with THPO-related conditions. In summary, the available evidence is currently insufficient to determine the role of this variant in disease. Therefore, it has been classified as a Variant of Uncertain Significance.